The following is an entry in ClinVar:

ClinVar aggregate classification (germline): Uncertain significance (1 of 4 stars; one submission).

Conditions:
Familial hemiplegic migraine. Identifiers: MedGen C0338484, MONDO:0000700.

Allele frequency attached by ClinVar (database versions not stated): gnomAD 0.00001; ExAC 0.00002; gnomAD exomes 0.00002 and 0.00003; TOPMed 0.00002.
gnomAD v4.1: 45 of 1,614,118 alleles (0.0028%); highest among the groups gnomAD compares: East Asian, 0.033%; no homozygotes.

Submission:

Labcorp Genetics (formerly Invitae), Labcorp
Classification: Uncertain significance for Familial hemiplegic migraine. Last evaluated: 2020-11-16. Review status: criteria provided, single submitter. Criteria: Invitae Variant Classification Sherloc (09022015). Collection method: clinical testing. Allele origin: germline.
Comment: This sequence change replaces threonine with methionine at codon 570 of the ATP1A2 protein (p.Thr570Met). The threonine residue is highly conserved and there is a moderate physicochemical difference between threonine and methionine. This variant is present in population databases (rs758815329, ExAC 0.03%). This variant has been observed in individual(s) with clinical features of episodic ataxia (PMID: 27066515). Algorithms developed to predict the effect of missense changes on protein structure and function are either unavailable or do not agree on the potential impact of this missense change (SIFT: "Deleterious"; PolyPhen-2: "Benign"; Align-GVGD: "Class C65"). In summary, the available evidence is currently insufficient to determine the role of this variant in disease. Therefore, it has been classified as a Variant of Uncertain Significance.

Literature cited by the submitters: PubMed 27066515.

NM_000702.4(ATP1A2):c.1709C>T (p.Thr570Met)

Gene: ATP1A2 (ATPase Na+/K+ transporting subunit alpha 2; plus strand). Cytogenetic location: 1q23.2.
Variant type: single nucleotide variant.
Coding change: c.1709C>T on transcript NM_000702.4 (MANE Select); coding-DNA position 1709, C replaced by T.
Protein change: p.Thr570Met; replaces threonine 570 with methionine.
Molecular consequence: missense variant.
Genome position (GRCh38, 1-based): chr1:160,130,479, C>T. VCF-style: chr1-160130479-C-T. GRCh37 (hg19) VCF-style: chr1-160100269-C-T.
Other names: short protein forms T570M.
Identifiers: ClinVar variation 1023633 (VCV001023633.8), dbSNP rs758815329, ClinGen allele CA1194565.